The following is an entry in ClinVar:

ClinVar aggregate classification (germline): Likely benign (1 of 4 stars; one submission).

Conditions:
TBX3-related disorder. Also called: TBX3-related condition.

gnomAD v4.1: 2 of 1,610,692 alleles (0.00012%); highest among the groups gnomAD compares: African/African-American, 0.0027%; no homozygotes.

Submission:

PreventionGenetics, part of Exact Sciences
Classification: Likely benign for TBX3-related condition. Last evaluated: 2025-04-14. Review status: criteria provided, single submitter. Criteria: ACMG Guidelines, 2015. Collection method: clinical testing. Allele origin: germline.
Comment: This variant is classified as likely benign based on ACMG/AMP sequence variant interpretation guidelines (Richards et al. 2015 PMID: 25741868, with internal and published modifications).

NM_005996.4(TBX3):c.129G>C (p.Ala43=)

Genes: TBX3 (T-box transcription factor 3; minus strand), TBX3-AS1 (TBX3 antisense RNA 1; plus strand). Cytogenetic location: 12q24.21.
Variant type: single nucleotide variant.
Coding change: c.129G>C on transcript NM_005996.4 (MANE Select); coding-DNA position 129, G replaced by C.
Protein change: p.Ala43=; no amino-acid change (alanine 43 retained).
Molecular consequence: synonymous variant.
Genome position (GRCh38, 1-based): chr12:114,683,072, C>G on the plus strand (G>C on the coding strand, the complement: TBX3 is on the minus strand). VCF-style: chr12-114683072-C-G. GRCh37 (hg19) VCF-style: chr12-115120877-C-G.
Other names: c.129G>C, p.Ala43= (NM_016569.4).
Identifiers: ClinVar variation 4987279 (VCV004987279.1).
Genomic context (GRCh38, chr12:114,683,072, plus strand): 5'-CGGCTTGGCCAGGGCGCCCGGCAGCGAGAGCGCCGCCGCGCCGTTGGGAGGCAGCGTCAG[C>G]GCGGGGAAGAACGGCGGCTGGTGACCCAGCACCGCGCTCATGGCGAAGTCCGGCGCCCGG-3'
Protein context (NP_005987.3, residues 33-53): VLGHQPPFFP[Ala43=]LTLPPNGAAA